The following is an entry in ClinVar:

NM_000179.3(MSH6):c.631_634del (p.Gly211fs)

Gene: MSH6 (mutS homolog 6; plus strand). Cytogenetic location: 2p16.3.
Variant type: Deletion.
Coding change: c.631_634del on transcript NM_000179.3 (MANE Select); coding-DNA positions 631 to 634, 4 bases deleted (GGCA; older notation c.631_634delGGCA).
Protein change: p.Gly211fs; shifts the reading frame from glycine 211.
Molecular consequence: frameshift variant. On other transcripts: 5 prime UTR variant (1), splice acceptor variant (1).
Genome position (GRCh38, 1-based): chr2:47,798,614-47,798,617, GGCA deleted; deleting any 4 consecutive bases within chr2:47,798,613-47,798,617 gives the same sequence; the c. name uses the placement nearest the transcript's 3' end. VCF-style (leftmost placement, unchanged base first): chr2-47798612-TAGGC-T. GRCh37 (hg19) VCF-style: chr2-48025751-TAGGC-T.
Other names: c.631_634delGGCA (NM_000179.2); c.631_634del (NM_000179.2); c.241_244del, p.Gly81fs (NM_001281492.2); c.-276_-273del (NM_001281493.2); c.-275-1_-273del (NM_001281494.2); short protein forms G211fs, G81fs.
Identifiers: ClinVar variation 486914 (VCV000486914.6), dbSNP rs1553412041, ClinGen allele CA658655704.
Genomic context (GRCh38, chr2:47,798,612, plus strand): 5'-TTACATTATGGTTTTCCAAATTTTGATTTGTTTTTAAATACTCTTTCCTTGCCTGGCAGG[TAGGC>T]ACAACTTACGTAACAGATAAGAGTGAAGAAGATAATGAAATTGAGAGTGAAGAGGAAGTA-3'

ClinVar aggregate classification (germline): Pathogenic. Review status: criteria provided, multiple submitters, no conflicts (2 of 4 stars). 2 submissions from 2 submitters: Pathogenic (2). Last evaluated 2025-05-12.

Conditions:
Hereditary cancer-predisposing syndrome. Also called: Tumor predisposition; Hereditary Cancer Syndrome; Hereditary neoplastic syndrome; Neoplastic Syndromes, Hereditary. Identifiers: Orphanet 140162, MedGen C0027672, MeSH D009386, MONDO:0015356.

Submissions (2):

GeneDx
Classification: Pathogenic. Last evaluated: 2025-05-12. Review status: criteria provided, single submitter. Criteria: GeneDx Variant Classification Process June 2021. Collection method: clinical testing. Allele origin: germline. Affected: yes.
Comment: Frameshift variant predicted to result in protein truncation or nonsense mediated decay in a gene for which loss of function is a known mechanism of disease; Not observed at significant frequency in large population cohorts (gnomAD); Truncating variants in this gene are considered pathogenic by a well-established clinical consortium and/or database; Has not been previously published as pathogenic or benign to our knowledge

Ambry Genetics
Classification: Pathogenic for Hereditary cancer-predisposing syndrome. Last evaluated: 2017-08-10. Review status: criteria provided, single submitter. Criteria: Ambry Variant Classification Scheme 2023. Collection method: clinical testing. Allele origin: germline.
Comment: The c.631_634delGGCA pathogenic mutation, located in coding exon 4 of the MSH6 gene, results from a deletion of 4 nucleotides at nucleotide positions 631 to 634, causing a translational frameshift with a predicted alternate stop codon (p.G211Qfs*4). This alteration is expected to result in loss of function by premature protein truncation or nonsense-mediated mRNA decay. As such, this alteration is interpreted as a disease-causing mutation.